The following is an entry in ClinVar:

NM_201384.3(PLEC):c.6982G>A (p.Glu2328Lys)

Gene: PLEC (plectin; minus strand). Cytogenetic location: 8q24.3.
Variant type: single nucleotide variant.
Coding change: c.6982G>A on transcript NM_201384.3 (MANE Select); coding-DNA position 6982, G replaced by A.
Protein change: p.Glu2328Lys; replaces glutamic acid 2328 with lysine.
Molecular consequence: missense variant.
Genome position (GRCh38, 1-based): chr8:143,922,947, C>T on the plus strand (G>A on the coding strand, the complement: PLEC is on the minus strand). VCF-style: chr8-143922947-C-T. GRCh37 (hg19) VCF-style: chr8-144997115-C-T.
Other names: c.7063G>A, p.Glu2355Lys (NM_000445.5); c.6940G>A, p.Glu2314Lys (NM_201378.4); c.6916G>A, p.Glu2306Lys (NM_201379.3); c.7393G>A, p.Glu2465Lys (NM_201380.4); c.6886G>A, p.Glu2296Lys (NM_201381.3); c.6982G>A, p.Glu2328Lys (NM_201382.4); c.6994G>A, p.Glu2332Lys (NM_201383.3); short protein forms E2306K, E2314K, E2328K, E2355K, E2465K, E2296K, E2332K.
Identifiers: ClinVar variation 1351087 (VCV001351087.8), dbSNP rs2131291898, ClinGen allele CA372530951.

ClinVar aggregate classification (germline): Uncertain significance (1 of 4 stars; one submission).

Conditions:
Epidermolysis bullosa simplex 5B, with muscular dystrophy (EBS5B). Also called: Epidermolysis bullosa simplex with muscular dystrophy; EPIDERMOLYSIS BULLOSA SIMPLEX AND LIMB-GIRDLE MUSCULAR DYSTROPHY. Identifiers: Orphanet 257, MedGen C2931072, MONDO:0009181, OMIM 226670.
Epidermolysis bullosa simplex, Ogna type (EBS5A). Also called: Pidermolysis bullosa simplex 5A, Ogna type; EPIDERMOLYSIS BULLOSA SIMPLEX 5A, OGNA TYPE. Identifiers: Orphanet 79401, MedGen C0432317, MONDO:0007555, OMIM 131950.
Epidermolysis bullosa simplex 5C, with pyloric atresia (EBS5C). Also called: PLEC1-Related Epidermolysis Bullosa with Pyloric Atresia; PLEC-Related Epidermolysis Bullosa with Pyloric Atresia; Epidermolysis bullosa simplex with pyloric atresia. Identifiers: Orphanet 158684, MedGen C2677349, MONDO:0012807, OMIM 612138.
Epidermolysis bullosa simplex with nail dystrophy (EBS5D). Identifiers: MedGen C4225309, MONDO:0014661, OMIM 616487.
Autosomal recessive limb-girdle muscular dystrophy type 2Q (LGMDR17). Also called: MUSCULAR DYSTROPHY, LIMB-GIRDLE, AUTOSOMAL RECESSIVE 17. Identifiers: Orphanet 254361, MedGen C3150989, MONDO:0013390, OMIM 613723.

Submission:

Labcorp Genetics (formerly Invitae), Labcorp
Classification: Uncertain significance for Autosomal recessive limb-girdle muscular dystrophy type 2Q; Epidermolysis bullosa simplex, Ogna type; Epidermolysis bullosa simplex with nail dystrophy; Epidermolysis bullosa simplex 5C, with pyloric atresia; Epidermolysis bullosa simplex 5B, with muscular dystrophy. Last evaluated: 2020-12-02. Review status: criteria provided, single submitter. Criteria: Invitae Variant Classification Sherloc (09022015). Collection method: clinical testing. Allele origin: germline.
Comment: In summary, the available evidence is currently insufficient to determine the role of this variant in disease. Therefore, it has been classified as a Variant of Uncertain Significance. Algorithms developed to predict the effect of missense changes on protein structure and function (SIFT, PolyPhen-2, Align-GVGD) all suggest that this variant is likely to be disruptive, but these predictions have not been confirmed by published functional studies and their clinical significance is uncertain. This variant has not been reported in the literature in individuals with PLEC-related conditions. This variant is not present in population databases (ExAC no frequency). This sequence change replaces glutamic acid with lysine at codon 2355 of the PLEC protein (p.Glu2355Lys). The glutamic acid residue is highly conserved and there is a small physicochemical difference between glutamic acid and lysine.